The following is an entry in ClinVar:

ClinVar aggregate classification (germline): Uncertain significance (1 of 4 stars; one submission).

Submission:

GeneDx
Classification: Uncertain significance. Last evaluated: 2023-02-22. Review status: criteria provided, single submitter. Criteria: GeneDx Variant Classification Process June 2021. Collection method: clinical testing. Allele origin: germline. Affected: yes.
Comment: Not observed at significant frequency in large population cohorts (gnomAD); In silico analysis supports that this missense variant does not alter protein structure/function; Has not been previously published as pathogenic or benign to our knowledge

NM_053025.4(MYLK):c.4612C>A (p.Leu1538Met)

Gene: MYLK (myosin light chain kinase; minus strand). Cytogenetic location: 3q21.1.
Variant type: single nucleotide variant.
Coding change: c.4612C>A on transcript NM_053025.4 (MANE Select); coding-DNA position 4612, C replaced by A.
Protein change: p.Leu1538Met; replaces leucine 1538 with methionine.
Molecular consequence: missense variant.
Genome position (GRCh38, 1-based): chr3:123,647,231, G>T on the plus strand (C>A on the coding strand, the complement: MYLK is on the minus strand). VCF-style: chr3-123647231-G-T. GRCh37 (hg19) VCF-style: chr3-123366078-G-T.
Other names: c.4084C>A, p.Leu1362Met (NM_001321309.2); c.4405C>A, p.Leu1469Met (NM_053026.4, NM_053028.4); c.4612C>A, p.Leu1538Met (NM_053027.4); short protein forms L1362M, L1469M, L1538M.
Identifiers: ClinVar variation 2577622 (VCV002577622.1), dbSNP rs2473358802, ClinGen allele CA354226952.